The following is an entry in ClinVar:

NM_001999.4(FBN2):c.1831G>A (p.Asp611Asn)

Gene: FBN2 (fibrillin 2; minus strand). Cytogenetic location: 5q23.3.
Variant type: single nucleotide variant.
Coding change: c.1831G>A on transcript NM_001999.4 (MANE Select); coding-DNA position 1831, G replaced by A.
Protein change: p.Asp611Asn; replaces aspartic acid 611 with asparagine.
Molecular consequence: missense variant.
Genome position (GRCh38, 1-based): chr5:128,377,770, C>T on the plus strand (G>A on the coding strand, the complement: FBN2 is on the minus strand). VCF-style: chr5-128377770-C-T. GRCh37 (hg19) VCF-style: chr5-127713463-C-T.
Other names: short protein forms D611N.
Identifiers: ClinVar variation 2001336 (VCV002001336.4), dbSNP rs2479386828, ClinGen allele CA360742438.

ClinVar aggregate classification (germline): Uncertain significance (1 of 4 stars; one submission).

Conditions:
Congenital contractural arachnodactyly (CCA). Also called: BEALS SYNDROME; Arthrogryposis, distal, type 9; Beals-Hecht syndrome. Identifiers: Orphanet 115, MedGen C0220668, MONDO:0007363, OMIM 121050.

Submission:

Labcorp Genetics (formerly Invitae), Labcorp
Classification: Uncertain significance for Congenital contractural arachnodactyly. Last evaluated: 2022-05-31. Review status: criteria provided, single submitter. Criteria: Invitae Variant Classification Sherloc (09022015). Collection method: clinical testing. Allele origin: germline.
Comment: This sequence change replaces aspartic acid, which is acidic and polar, with asparagine, which is neutral and polar, at codon 611 of the FBN2 protein (p.Asp611Asn). This variant is not present in population databases (gnomAD no frequency). This variant has not been reported in the literature in individuals affected with FBN2-related conditions. Advanced modeling of protein sequence and biophysical properties (such as structural, functional, and spatial information, amino acid conservation, physicochemical variation, residue mobility, and thermodynamic stability) performed at Invitae indicates that this missense variant is not expected to disrupt FBN2 protein function. In summary, the available evidence is currently insufficient to determine the role of this variant in disease. Therefore, it has been classified as a Variant of Uncertain Significance.